The following is an entry in ClinVar:

ClinVar aggregate classification (germline): Pathogenic. Review status: reviewed by expert panel (3 of 4 stars). 23 submissions from 22 submitters: Pathogenic (1). 22 of the submissions do not count toward it. Last evaluated 2016-09-08.

Conditions:
Breast and/or ovarian cancer. Identifiers: MedGen CN221562.
Hereditary cancer-predisposing syndrome. Also called: Neoplastic Syndromes, Hereditary; Hereditary neoplastic syndrome; Hereditary Cancer Syndrome; Tumor predisposition. Identifiers: Orphanet 140162, MedGen C0027672, MeSH D009386, MONDO:0015356.
Gastric cancer. Also called: Malignant tumor of stomach; Stomach cancer. Identifiers: MedGen C0024623, MeSH D013274, MONDO:0001056, OMIM 613659, HP:0012126.
Hereditary breast ovarian cancer syndrome. Also called: Hereditary breast and ovarian cancer syndrome (HBOC); Breast and ovarian cancer; BRCA1- and BRCA2-Associated Hereditary Breast and Ovarian Cancer; Hereditary breast and ovarian cancer syndrome; Hereditary breast and ovarian cancer; Hereditary breast and/or ovarian cancer syndrome. Identifiers: Orphanet 145, MedGen C0677776, MeSH D061325, MONDO:0003582. Disease mechanism: loss of function.
Breast-ovarian cancer, familial, susceptibility to, 1 (BROVCA1). Also called: BRCA1 Hereditary Breast and Ovarian Cancer; OVARIAN CANCER, SUSCEPTIBILITY TO. Identifiers: Orphanet 145, MedGen C2676676, MONDO:0011450, OMIM 604370. Disease mechanism: loss of function.
Breast-ovarian cancer, familial, susceptibility to, 2 (BROVCA2). Also called: BRCA2 Hereditary Breast and Ovarian Cancer. Identifiers: Orphanet 145, MedGen C2675520, MONDO:0012933, OMIM 612555. Disease mechanism: loss of function.
Familial cancer of breast. Also called: Hereditary breast cancer; hereditary breast carcinoma; BREAST CANCER, FAMILIAL. Identifiers: Orphanet 227535, MedGen C0346153, MONDO:0016419, OMIM 114480. Disease mechanism: loss of function.

Submissions 1 to 10 of 23:

Evidence-based Network for the Interpretation of Germline Mutant Alleles (ENIGMA)
Classification: Pathogenic for Breast-ovarian cancer, familial, susceptibility to, 2. Last evaluated: 2016-09-08. Review status: reviewed by expert panel. Criteria: ENIGMA BRCA1/2 Classification Criteria (2015). Collection method: curation. Allele origin: germline.
Comment: Variant allele predicted to encode a truncated non-functional protein.

Institute of Human Genetics, University of Leipzig Medical Center
Classification: Pathogenic for Breast-ovarian cancer, familial, susceptibility to, 1. Last evaluated: 2026-08-10. Review status: criteria provided, single submitter. Criteria: ACMG Guidelines, 2015. Collection method: clinical testing. Allele origin: unknown. Inheritance: Autosomal dominant inheritance. Affected: yes. Not counted in ClinVar's aggregate classification.
Comment: Criteria applied: PVS1,PM5_STR

Labcorp Genetics (formerly Invitae), Labcorp
Classification: Pathogenic for Hereditary breast ovarian cancer syndrome. Last evaluated: 2026-01-07. Review status: criteria provided, single submitter. Criteria: Invitae Variant Classification Sherloc (09022015). Collection method: clinical testing. Allele origin: germline. Not counted in ClinVar's aggregate classification.
Comment: This sequence change creates a premature translational stop signal (p.Lys1472Thrfs*6) in the BRCA2 gene. It is expected to result in an absent or disrupted protein product. Loss-of-function variants in BRCA2 are known to be pathogenic (PMID: 20104584). This variant is present in population databases (rs748716604, gnomAD 0.0009%). This premature translational stop signal has been observed in individual(s) with colorectal cancer and breast and/or ovarian cancer (PMID: 15131399, 15918047, 24010542, 26681682, 28195393). ClinVar contains an entry for this variant (Variation ID: 37902). For these reasons, this variant has been classified as Pathogenic.

GeneKor MSA
Classification: Pathogenic for Hereditary breast ovarian cancer syndrome. Last evaluated: 2025-05-15. Review status: criteria provided, single submitter. Criteria: ACMG Guidelines, 2015. Collection method: clinical testing. Allele origin: germline. Affected: yes. Not counted in ClinVar's aggregate classification.
Comment: This variant is a deletion of 4 nucleotides in exon 11 of the BRCA2 mRNA c.(4415_4418del), causing a frameshift after codon 1472 and the creation of a premature translation stop signal 6 amino acid residues later, p.(Lys1472Thrfs*6). This is expected to result in an absent or disrupted protein product. Truncating variants in the BRCA2 gene are known to be pathogenic (PMID:20104584). This variant is present in population databases (rs397507333) and it has been observed in individuals with breast or/and ovarian cancer and colorectal cancer (PMID:15131399, 15918047, 24010542, 26681682, 28195393). ClinVar contains entries for this variant where is listed as pathogenic (VCV000037902.55). Based on the classification criteria set by the ACMG and AMP (PMID:25741868) this variant has been classified as pathogenic.

GeneDx
Classification: Pathogenic. Last evaluated: 2023-07-26. Review status: criteria provided, single submitter. Criteria: GeneDx Variant Classification Process June 2021. Collection method: clinical testing. Allele origin: germline. Affected: yes. Not counted in ClinVar's aggregate classification.
Comment: Frameshift variant predicted to result in protein truncation or nonsense mediated decay in a gene for which loss of function is a known mechanism of disease; Observed in individuals with BRCA2-related cancers (Pietschmann et al., 2005; Konstantopoulou et al., 2014; Eccles et al., 2016; Ashour et al., 2019; Deng et al., 2019); Not observed at significant frequency in large population cohorts (gnomAD); Truncating variants in this gene are considered pathogenic by a well-established clinical consortium and/or database; Also known as 4643_4646del, 4643_4646delAGAA, 4643del4, or 4643delAGAA; This variant is associated with the following publications: (PMID: 26681682, 29922827, 34687993, 29752822, 30720243, 30972954, 31372034, 15918047, 24010542, 19877752, 19139771, 24312913, 15131399, 26295337, 28195393, 26109977, 26300996, 31825140, 33087929, 20104584, 33632156)

Ambry Genetics
Classification: Pathogenic for Hereditary cancer-predisposing syndrome. Last evaluated: 2023-03-28. Review status: criteria provided, single submitter. Criteria: Ambry Variant Classification Scheme 2023. Collection method: clinical testing. Allele origin: germline. Not counted in ClinVar's aggregate classification.
Comment: The c.4415_4418delAGAA pathogenic mutation, located in coding exon 10 of the BRCA2 gene, results from a deletion of 4 nucleotides at nucleotide positions 4415 to 4418, causing a translational frameshift with a predicted alternate stop codon (p.K1472Tfs*6). This pathogenic mutation, also designated as 4643del4, is located in the ovarian cancer cluster region (OCCR) and has been reported in multiple families with HBOC related cancers (Lubinski J et al. Fam Cancer. 2004;3(1):1-10; Pietschmann A et al. J. Cancer Res. Clin. Oncol.2005 Aug;131(8):552-8; Karami F and Mehdipour P. Biomed Res Int. 2013;2013:928562). In addition to the clinical data presented in the literature, this alteration is expected to result in loss of function by premature protein truncation or nonsense-mediated mRNA decay. As such, this alteration is interpreted as a disease-causing mutation.

Baylor Genetics
Classification: Pathogenic for Familial cancer of breast. Last evaluated: 2023-03-27. Review status: criteria provided, single submitter. Criteria: ACMG Guidelines, 2015. Collection method: clinical testing. Allele origin: unknown. Not counted in ClinVar's aggregate classification.

Color Diagnostics, LLC DBA Color Health
Classification: Pathogenic for Hereditary cancer-predisposing syndrome. Last evaluated: 2020-11-02. Review status: criteria provided, single submitter. Criteria: ACMG Guidelines, 2015. Collection method: clinical testing. Allele origin: germline. Not counted in ClinVar's aggregate classification.
Comment: This variant deletes 4 nucleotides in exon 11 of the BRCA2 gene, creating a frameshift and premature translation stop signal. This variant is expected to result in an absent or non-functional protein product. To our knowledge, functional studies have not been reported for this variant. This variant has been reported in individuals affected with breast or ovarian cancer (PMID: 15918047, 24010542, 24312913, 26681682, 27153395) or colorectal cancer (PMID: 28195393). This variant has been identified in 1/248584 chromosomes in the general population by the Genome Aggregation Database (gnomAD). Loss of BRCA2 function is a known mechanism of disease. Based on the available evidence, this variant is classified as Pathogenic.

Institute of Medical Genetics and Applied Genomics, University Hospital Tübingen
Classification: Pathogenic. Last evaluated: 2020-10-23. Review status: criteria provided, single submitter. Criteria: ACMG Guidelines, 2015. Collection method: clinical testing. Allele origin: germline. Inheritance: Autosomal unknown. Affected: yes. Not counted in ClinVar's aggregate classification.

CHEO Genetics Diagnostic Laboratory, Children's Hospital of Eastern Ontario
Classification: Pathogenic for Breast and/or ovarian cancer. Last evaluated: 2020-03-09. Review status: criteria provided, single submitter. Criteria: ACMG Guidelines, 2015. Collection method: clinical testing. Allele origin: germline. Not counted in ClinVar's aggregate classification.

NM_000059.4(BRCA2):c.4415_4418del (p.Lys1472fs)

Gene: BRCA2 (BRCA2 DNA repair associated; plus strand). Cytogenetic location: 13q13.1.
Variant type: Microsatellite.
Coding change: c.4415_4418del on transcript NM_000059.4 (MANE Select); coding-DNA positions 4415 to 4418, 4 bases deleted (AGAA; older notation c.4415_4418delAGAA).
Protein change: p.Lys1472fs; shifts the reading frame from lysine 1472.
Molecular consequence: frameshift variant.
Genome position (GRCh38, 1-based): chr13:32,338,770-32,338,773, AGAA deleted; deleting any 4 consecutive bases within chr13:32,338,765-32,338,773 gives the same sequence; the c. name uses the placement nearest the transcript's 3' end. VCF-style (leftmost placement, unchanged base first): chr13-32338764-TAAGA-T. GRCh37 (hg19) VCF-style: chr13-32912901-TAAGA-T.
Other names: 4643del4; c.4415_4418delAGAA (NM_000059.3); short protein forms K1472fs.
Identifiers: ClinVar variation 37902 (VCV000037902.60), dbSNP rs397507333, ClinGen allele CA020143.